The following is an entry in ClinVar:

ClinVar aggregate classification (germline): Benign (1 of 4 stars; one submission).

Conditions:
Familial cancer of breast. Also called: hereditary breast carcinoma; BREAST CANCER, FAMILIAL; Hereditary breast cancer. Identifiers: Orphanet 227535, MedGen C0346153, MONDO:0016419, OMIM 114480. Disease mechanism: loss of function.

Submission:

Myriad Genetics, Inc.
Classification: Benign for Familial cancer of breast. Last evaluated: 2024-06-05. Review status: criteria provided, single submitter. Criteria: Myriad Autosomal Dominant, Autosomal Recessive and X-Linked Classification Criteria (2023). Collection method: clinical testing. Allele origin: unknown.
Comment: This variant is considered benign. This variant is intronic and is not expected to impact mRNA splicing.

NM_000051.4(ATM):c.6348-19dup

Genes: ATM (ATM serine/threonine kinase; plus strand), C11orf65 (chromosome 11 open reading frame 65; minus strand). Cytogenetic location: 11q22.3.
Variant type: Duplication.
Coding change: c.6348-19dup on transcript NM_000051.4 (MANE Select); 19 bases into the intron before coding-DNA position 6348, one base duplicated (T; older notation c.6348-19dupT).
Molecular consequence: intron variant.
Genome position (GRCh38, 1-based): chr11:108,319,935, T duplicated; the last of 7 consecutive T bases (chr11:108,319,929-108,319,935); duplicating any one gives the same sequence. VCF-style (leftmost placement, unchanged base first): chr11-108319928-A-AT. GRCh37 (hg19) VCF-style: chr11-108190655-A-AT.
Other names: c.6348-19dup (NM_001351834.2); c.641-10858dup (NM_001330368.2); c.*39-10858dup (NM_001351110.2).
Identifiers: ClinVar variation 3253760 (VCV003253760.1), dbSNP rs1565508524.
Genomic context (GRCh38, chr11:108,319,928, plus strand): 5'-ATTTTGTCCTTTGGTGAAGCTATTTATACATGTATATCTTAGGGTTCTGTTTTTAAGTAT[A>AT]TTTTTTTCTTTGACTTATCTCACAGCAAAGAAGTAGAAGGAACCAGTTACCATGAATCAT-3'